The following is an entry in ClinVar:

NM_000548.5(TSC2):c.4565A>G (p.Asn1522Ser)

Gene: TSC2 (TSC complex subunit 2; plus strand). Cytogenetic location: 16p13.3.
Variant type: single nucleotide variant.
Coding change: c.4565A>G on transcript NM_000548.5 (MANE Select); coding-DNA position 4565, A replaced by G.
Protein change: p.Asn1522Ser; replaces asparagine 1522 with serine.
Molecular consequence: missense variant.
Genome position (GRCh38, 1-based): chr16:2,085,022, A>G. VCF-style: chr16-2085022-A-G. GRCh37 (hg19) VCF-style: chr16-2135023-A-G.
Other names: c.4364A>G, p.Asn1455Ser (NM_001077183.3); c.4496A>G, p.Asn1499Ser (NM_001114382.3); c.4256A>G, p.Asn1419Ser (NM_001318827.2); c.4220A>G, p.Asn1407Ser (NM_001318829.2); c.3833A>G, p.Asn1278Ser (NM_001318831.2); c.4397A>G, p.Asn1466Ser (NM_001318832.2); c.4367A>G, p.Asn1456Ser (NM_001363528.2); c.4433A>G, p.Asn1478Ser (NM_001370404.1); and 2 more; short protein forms N1522S, N1478S, N1479S, N1455S, N1466S, N1499S, N1278S, N1407S.
Identifiers: ClinVar variation 65118 (VCV000065118.62), dbSNP rs144062721, ClinGen allele CA020652.

ClinVar aggregate classification (germline): Benign/Likely benign. Review status: criteria provided, multiple submitters, no conflicts (2 of 4 stars). 14 submissions from 14 submitters: Benign (5); Likely benign (8). 1 of the submissions does not count toward it. Last evaluated 2026-08-01.

Conditions:
TSC2-related disorder. Also called: TSC2-related condition; TSC2-Related Disorders.
Hereditary cancer-predisposing syndrome. Also called: Neoplastic Syndromes, Hereditary; Tumor predisposition; Hereditary Cancer Syndrome; Hereditary neoplastic syndrome. Identifiers: Orphanet 140162, MedGen C0027672, MeSH D009386, MONDO:0015356.
Tuberous sclerosis syndrome (TSC). Also called: Tuberous Sclerosis Complex; Tuberous sclerosis. Identifiers: Orphanet 805, MedGen C0041341, MONDO:0001734.
Tuberous sclerosis 2 (TSC2). Identifiers: Orphanet 805, MedGen C1860707, MONDO:0013199, OMIM 613254.
Lymphangiomyomatosis (LAM). Also called: Lymphangioleiomyomatosis; Lymphangioleiomyomatosis, somatic. Identifiers: Orphanet 538, MedGen C0751674, MONDO:0011705, OMIM 606690.

Allele frequency attached by ClinVar (database versions not stated): gnomAD exomes 0.00004 and 0.00006; TOPMed 0.00006; ExAC 0.00008; gnomAD 0.00009 and 0.00010; ESP Exome Variant Server 0.00015.
gnomAD v4.1: 74 of 1,613,136 alleles (0.0046%); highest among the groups gnomAD compares: African/African-American, 0.019%; no homozygotes.

Submissions (14):

CeGaT Center for Human Genetics Tuebingen
Classification: Likely benign. Last evaluated: 2026-08-01. Review status: criteria provided, single submitter. Criteria: CeGaT Center For Human Genetics Tuebingen Variant Classification Criteria Version 2. Collection method: clinical testing. Allele origin: germline. Affected: yes. Observed: 2 variant alleles.
Comment: TSC2: BS2

Labcorp Genetics (formerly Invitae), Labcorp
Classification: Benign for Tuberous sclerosis 2. Last evaluated: 2026-02-03. Review status: criteria provided, single submitter. Criteria: Invitae Variant Classification Sherloc (09022015). Collection method: clinical testing. Allele origin: germline.

ARUP Laboratories, Molecular Genetics and Genomics, ARUP Laboratories
Classification: Likely benign. Last evaluated: 2025-03-31. Review status: criteria provided, single submitter. Criteria: ARUP Molecular Germline Variant Investigation Process 2024. Collection method: clinical testing. Allele origin: germline.

PreventionGenetics, part of Exact Sciences
Classification: Likely benign for TSC2-related condition. Last evaluated: 2025-03-28. Review status: criteria provided, single submitter. Criteria: ACMG Guidelines, 2015. Collection method: clinical testing. Allele origin: germline.
Comment: This variant is classified as likely benign based on ACMG/AMP sequence variant interpretation guidelines (Richards et al. 2015 PMID: 25741868, with internal and published modifications).

Quest Diagnostics Nichols Institute San Juan Capistrano
Classification: Benign. Last evaluated: 2025-01-03. Review status: criteria provided, single submitter. Criteria: Quest Diagnostics criteria. Collection method: clinical testing. Allele origin: unknown.

All of Us Research Program, National Institutes of Health
Classification: Likely benign for Tuberous sclerosis syndrome. Last evaluated: 2024-08-30. Review status: criteria provided, single submitter. Criteria: ACMG Guidelines, 2015. Collection method: clinical testing. Allele origin: germline. Inheritance: Autosomal dominant inheritance. Observed: 24 variant alleles, 24 heterozygotes.
Comment: This study involves interpretation of variants in research participants for the purpose of population health screening. Participant phenotype was not available at the time of variant classification. Additional details can be found in publication PMID: 35346344, PMCID: PMC8962531

Myriad Genetics, Inc.
Classification: Likely benign for Tuberous sclerosis 2. Last evaluated: 2024-08-06. Review status: criteria provided, single submitter. Criteria: Myriad Autosomal Dominant, Autosomal Recessive and X-Linked Classification Criteria (2023). Collection method: clinical testing. Allele origin: unknown.
Comment: This variant is considered likely benign. This variant has been observed at a population frequency that is significantly greater than expected given the associated disease prevalence and penetrance.

Color Diagnostics, LLC DBA Color Health
Classification: Likely benign for Tuberous sclerosis syndrome. Last evaluated: 2023-03-08. Review status: criteria provided, single submitter. Criteria: ACMG Guidelines, 2015. Collection method: clinical testing. Allele origin: germline.

Blueprint Genetics
Classification: Likely benign. Last evaluated: 2022-11-11. Review status: criteria provided, single submitter. Criteria: ACMG Guidelines, 2015. Collection method: clinical testing. Allele origin: germline.

Genome-Nilou Lab
Classification: Benign for Tuberous sclerosis 2. Last evaluated: 2021-11-07. Review status: criteria provided, single submitter. Criteria: ACMG Guidelines, 2015. Collection method: clinical testing. Allele origin: germline. Affected: no.

Sema4
Classification: Benign for Hereditary cancer-predisposing syndrome. Last evaluated: 2021-10-19. Review status: criteria provided, single submitter. Criteria: Sema4 Curation Guidelines. Collection method: curation. Allele origin: germline.

Ambry Genetics
Classification: Likely benign for Hereditary cancer-predisposing syndrome. Last evaluated: 2021-05-19. Review status: criteria provided, single submitter. Criteria: Ambry Variant Classification Scheme 2023. Collection method: clinical testing. Allele origin: germline.

GeneDx
Classification: Benign. Last evaluated: 2019-05-24. Review status: criteria provided, single submitter. Criteria: GeneDx Variant Classification Process June 2021. Collection method: clinical testing. Allele origin: germline. Affected: yes.
Comment: This variant is associated with the following publications: (PMID: 22903760)

Tuberous sclerosis database (TSC2)
No classification provided. Condition: LAM. Review status: no classification provided. Criteria: Tuberous Sclerosis Database Assertion Criteria 2015. Collection method: curation. Allele origin: germline. Affected: yes. Not counted in ClinVar's aggregate classification.